The following is an entry in ClinVar:

ClinVar aggregate classification (germline): Uncertain significance. Review status: criteria provided, multiple submitters, no conflicts (2 of 4 stars). 2 submissions from 2 submitters: Uncertain significance (2). Last evaluated 2025-09-27.

Conditions:
Charcot-Marie-Tooth disease axonal type 2O. Also called: CHARCOT-MARIE-TOOTH NEUROPATHY, AXONAL, TYPE 2O; CHARCOT-MARIE-TOOTH DISEASE, AXONAL, AUTOSOMAL DOMINANT, TYPE 2O; Charcot-Marie-Tooth disease, axonal, type 20; Charcot-Marie-Tooth Neuropathy Type 2O. Identifiers: Orphanet 284232, MedGen C3280220, MONDO:0013644, OMIM 614228.

Submissions (2):

Labcorp Genetics (formerly Invitae), Labcorp
Classification: Uncertain significance for Charcot-Marie-Tooth disease axonal type 2O. Last evaluated: 2025-09-27. Review status: criteria provided, single submitter. Criteria: Invitae Variant Classification Sherloc (09022015). Collection method: clinical testing. Allele origin: germline.
Comment: This sequence change replaces leucine, which is neutral and non-polar, with tryptophan, which is neutral and slightly polar, at codon 1604 of the DYNC1H1 protein (p.Leu1604Trp). This variant is not present in population databases (gnomAD no frequency). This variant has not been reported in the literature in individuals affected with DYNC1H1-related conditions. ClinVar contains an entry for this variant (Variation ID: 1482267). Invitae Evidence Modeling of protein sequence and biophysical properties (such as structural, functional, and spatial information, amino acid conservation, physicochemical variation, residue mobility, and thermodynamic stability) indicates that this missense variant is expected to disrupt DYNC1H1 protein function with a positive predictive value of 95%. In summary, the available evidence is currently insufficient to determine the role of this variant in disease. Therefore, it has been classified as a Variant of Uncertain Significance.

ARUP Laboratories, Molecular Genetics and Genomics, ARUP Laboratories
Classification: Uncertain significance. Last evaluated: 2025-03-31. Review status: criteria provided, single submitter. Criteria: ARUP Molecular Germline Variant Investigation Process 2024. Collection method: clinical testing. Allele origin: germline.
Comment: The DYNC1H1 c.4811T>G; p.Leu1604Trp variant (rs2141287084), to our knowledge, is not reported in the medical literature but is reported in ClinVar (Variation ID: 1482267). This variant is absent from the Genome Aggregation Database (v2.1.1), indicating it is not a common polymorphism. Computational analyses predict that this variant is deleterious (REVEL: 0.775). Due to limited information, the clinical significance of this variant is uncertain at this time.

NM_001376.5(DYNC1H1):c.4811T>G (p.Leu1604Trp)

Gene: DYNC1H1 (dynein cytoplasmic 1 heavy chain 1; plus strand). Cytogenetic location: 14q32.31.
Variant type: single nucleotide variant.
Coding change: c.4811T>G on transcript NM_001376.5 (MANE Select); coding-DNA position 4811, T replaced by G.
Protein change: p.Leu1604Trp; replaces leucine 1604 with tryptophan.
Molecular consequence: missense variant.
Genome position (GRCh38, 1-based): chr14:102,002,893, T>G. VCF-style: chr14-102002893-T-G. GRCh37 (hg19) VCF-style: chr14-102469230-T-G.
Other names: short protein forms L1604W.
Identifiers: ClinVar variation 1482267 (VCV001482267.9), dbSNP rs2141287084, ClinGen allele CA391043572.